The following is an entry in ClinVar:

NM_000632.4(ITGAM):c.1708C>T (p.Arg570Trp)

Gene: ITGAM (integrin subunit alpha M; plus strand). Cytogenetic location: 16p11.2.
Variant type: single nucleotide variant.
Coding change: c.1708C>T on transcript NM_000632.4 (MANE Select); coding-DNA position 1708, C replaced by T.
Protein change: p.Arg570Trp; replaces arginine 570 with tryptophan.
Molecular consequence: missense variant.
Genome position (GRCh38, 1-based): chr16:31,321,241, C>T. VCF-style: chr16-31321241-C-T. GRCh37 (hg19) VCF-style: chr16-31332562-C-T.
Other names: c.1711C>T, p.Arg571Trp (NM_001145808.2); c.1708C>T (NM_000632.3); short protein forms R571W, R570W.
Identifiers: ClinVar variation 1979979 (VCV001979979.5), dbSNP rs375394349, ClinGen allele CA8025642.
Genomic context (GRCh38, chr16:31,321,241, plus strand): 5'-GTTATACATCTCCTGTCTTTCCTACCCCTTTCTCTCTCCACACCTCTTTTTTACCCTCAG[C>T]GGATAGCAGGCTCCAAGCTCTCTCCCAGGCTCCAGTATTTTGGTCAGTCACTGAGTGGGG-3'
Protein context (NP_000623.2, residues 560-580): GSGISPSHSQ[Arg570Trp]IAGSKLSPRL

ClinVar aggregate classification (germline): Uncertain significance. Review status: criteria provided, multiple submitters, no conflicts (2 of 4 stars). 2 submissions from 2 submitters: Uncertain significance (2). Last evaluated 2025-01-09.

Allele frequency attached by ClinVar (database versions not stated): gnomAD 0.00003; TOPMed 0.00003; gnomAD exomes 0.00006; ExAC 0.00008; ESP Exome Variant Server 0.00008.
gnomAD v4.1: 95 of 1,613,586 alleles (0.0059%); highest among the groups gnomAD compares: East Asian, 0.0089%; no homozygotes.

Submissions (2):

Labcorp Genetics (formerly Invitae), Labcorp
Classification: Uncertain significance. Last evaluated: 2025-01-09. Review status: criteria provided, single submitter. Criteria: Invitae Variant Classification Sherloc (09022015). Collection method: clinical testing. Allele origin: germline.
Comment: This sequence change replaces arginine, which is basic and polar, with tryptophan, which is neutral and slightly polar, at codon 570 of the ITGAM protein (p.Arg570Trp). This variant is present in population databases (rs375394349, gnomAD 0.009%). This variant has not been reported in the literature in individuals affected with ITGAM-related conditions. ClinVar contains an entry for this variant (Variation ID: 1979979). An algorithm developed to predict the effect of missense changes on protein structure and function (PolyPhen-2) suggests that this variant is likely to be tolerated. In summary, the available evidence is currently insufficient to determine the role of this variant in disease. Therefore, it has been classified as a Variant of Uncertain Significance.

Ambry Genetics
Classification: Uncertain significance. Last evaluated: 2024-07-14. Review status: criteria provided, single submitter. Criteria: Ambry Variant Classification Scheme 2023. Collection method: clinical testing. Allele origin: germline.